The following is an entry in ClinVar:

NM_003728.4(UNC5C):c.490+8A>G

Gene: UNC5C (unc-5 netrin receptor C; minus strand). Cytogenetic location: 4q22.3.
Variant type: single nucleotide variant.
Coding change: c.490+8A>G on transcript NM_003728.4 (MANE Select); 8 bases into the intron after coding-DNA position 490, A replaced by G.
Molecular consequence: intron variant.
Genome position (GRCh38, 1-based): chr4:95,301,598, T>C on the plus strand (A>G on the coding strand, the complement: UNC5C is on the minus strand). VCF-style: chr4-95301598-T-C. GRCh37 (hg19) VCF-style: chr4-96222749-T-C.
Identifiers: ClinVar variation 3353557 (VCV003353557.1).
Genomic context (GRCh38, chr4:95,301,598, plus strand): 5'-ACAGTGTAAACTTTCCCTTATGTGTATCAACTTCTGAGACCCAAGGTGCTTATTGTACAA[T>C]GACTCACATGCAATGCGCACATACGCCTTCCGGCTCTTTGTGGTACCCGCGGAGCTCCAG-3'

ClinVar aggregate classification (germline): Likely benign (0 of 4 stars; one submission).

Conditions:
UNC5C-related disorder. Also called: UNC5C-related condition.

gnomAD v4.1: 14 of 1,613,958 alleles (0.00087%); highest among the groups gnomAD compares: African/African-American, 0.015%; no homozygotes.

Submission:

PreventionGenetics, part of Exact Sciences
Classification: Likely benign for UNC5C-related condition. Last evaluated: 2019-11-14. Review status: no assertion criteria provided. Collection method: clinical testing. Allele origin: germline.
Comment: This variant is classified as likely benign based on ACMG/AMP sequence variant interpretation guidelines (Richards et al. 2015 PMID: 25741868, with internal and published modifications).